The following is an entry in ClinVar:

NM_001085458.2(CTNND1):c.42C>T (p.Ala14=)

Genes: CTNND1 (catenin delta 1; plus strand), TMX2-CTNND1 (TMX2-CTNND1 readthrough (NMD candidate); plus strand). Cytogenetic location: 11q12.1.
Variant type: single nucleotide variant.
Coding change: c.42C>T on transcript NM_001085458.2 (MANE Select); coding-DNA position 42, C replaced by T.
Protein change: p.Ala14=; no amino-acid change (alanine 14 retained).
Molecular consequence: synonymous variant. On other transcripts: non-coding transcript variant (1), 5 prime UTR variant (7), intron variant (8).
Genome position (GRCh38, 1-based): chr11:57,791,520, C>T. VCF-style: chr11-57791520-C-T. GRCh37 (hg19) VCF-style: chr11-57558992-C-T.
Other names: c.42C>T, p.Ala14= (NM_001085459.2, NM_001085460.2, NM_001085461.2 and 3 more transcripts); c.-121C>T (NM_001206883.2, NM_001206884.2, NM_001206886.2 and 4 more transcripts); c.-108-2490C>T (NM_001085467.2, NM_001206890.2, NM_001085463.2 and 4 more transcripts); c.-36-4057C>T (NM_001085469.2).
Identifiers: ClinVar variation 3057422 (VCV003057422.2), dbSNP rs376769498, ClinGen allele CA6010125.
Genomic context (GRCh38, chr11:57,791,520, plus strand): 5'-GGCTCCGCCCCTTACCTTCATGGACGACTCAGAGGTGGAGTCGACCGCCAGCATCTTGGC[C>T]TCTGTGAAGGAACAAGAGGCCCAGTTTGAGAAGCTGACCCGGGCGCTGGAGGAGGAACGG-3'
Protein context (NP_001078927.1, residues 4-24): SEVESTASIL[Ala14=]SVKEQEAQFE

ClinVar aggregate classification (germline): Likely benign (0 of 4 stars; one submission).

Conditions:
CTNND1-related disorder. Also called: CTNND1-related condition.

Allele frequency attached by ClinVar (database versions not stated): ESP Exome Variant Server 0.00008; TOPMed 0.00013; gnomAD 0.00016; ExAC 0.00019; gnomAD exomes 0.00031.
gnomAD v4.1: 464 of 1,595,108 alleles (0.029%); highest among the groups gnomAD compares: Non-Finnish European, 0.038%; 2 homozygotes.

Submission:

PreventionGenetics, part of Exact Sciences
Classification: Likely benign for CTNND1-related condition. Last evaluated: 2020-03-10. Review status: no assertion criteria provided. Collection method: clinical testing. Allele origin: germline.
Comment: This variant is classified as likely benign based on ACMG/AMP sequence variant interpretation guidelines (Richards et al. 2015 PMID: 25741868, with internal and published modifications).